The following is an entry in ClinVar:

ClinVar aggregate classification (germline): Pathogenic. Review status: reviewed by expert panel (3 of 4 stars). 15 submissions from 15 submitters: Pathogenic (1). 14 of the submissions do not count toward it. Last evaluated 2016-09-08.

Conditions:
Hereditary cancer-predisposing syndrome. Also called: Hereditary neoplastic syndrome; Hereditary Cancer Syndrome; Tumor predisposition; Neoplastic Syndromes, Hereditary. Identifiers: Orphanet 140162, MedGen C0027672, MeSH D009386, MONDO:0015356.
Glioma susceptibility 3 (GLM3). Also called: Glioblastoma 3. Identifiers: Orphanet 182067, Orphanet 360, MedGen C2751641, MONDO:0013093, OMIM 613029.
Prostate cancer. Also called: Malignant tumor of prostate. Identifiers: Orphanet 1331, MedGen C0376358, MONDO:0008315, HP:0012125.
Breast-ovarian cancer, familial, susceptibility to, 2 (BROVCA2). Also called: BRCA2 Hereditary Breast and Ovarian Cancer. Identifiers: Orphanet 145, MedGen C2675520, MONDO:0012933, OMIM 612555. Disease mechanism: loss of function.
Wilms tumor 1 (WT1). Also called: Wilms tumor, somatic. Identifiers: Orphanet 654, MedGen CN033288, MONDO:0008679, OMIM 194070.
Medulloblastoma (MDB). Also called: MEDULLOBLASTOMA PREDISPOSITION SYNDROME; Medulloblastoma, somatic. Identifiers: Orphanet 616, MedGen C0025149, MeSH D008527, MONDO:0007959, OMIM 155255, HP:0002885.
Fanconi anemia complementation group D1. Also called: BRCA2-Related Fanconi Anemia. Identifiers: Orphanet 319462, MedGen C1838457, MONDO:0011584, OMIM 605724.
Familial cancer of breast. Also called: Hereditary breast cancer; hereditary breast carcinoma; BREAST CANCER, FAMILIAL. Identifiers: Orphanet 227535, MedGen C0346153, MONDO:0016419, OMIM 114480. Disease mechanism: loss of function.
Pancreatic cancer, susceptibility to, 2. Identifiers: Orphanet 1333, MedGen C3150546, MONDO:0013235, OMIM 613347.
Hereditary breast ovarian cancer syndrome. Also called: Breast and ovarian cancer; Hereditary breast and/or ovarian cancer syndrome; Hereditary breast and ovarian cancer; Hereditary breast and ovarian cancer syndrome; BRCA1- and BRCA2-Associated Hereditary Breast and Ovarian Cancer; Hereditary breast and ovarian cancer syndrome (HBOC). Identifiers: Orphanet 145, MedGen C0677776, MeSH D061325, MONDO:0003582. Disease mechanism: loss of function.

Allele frequency attached by ClinVar (database versions not stated): TOPMed below 0.00001.
gnomAD v4.1: 1 of 1,596,136 alleles (0.000063%); highest among the groups gnomAD compares: South Asian, 0.0011%; no homozygotes.

Submissions 1 to 8 of 15:

Evidence-based Network for the Interpretation of Germline Mutant Alleles (ENIGMA)
Classification: Pathogenic for Breast-ovarian cancer, familial, susceptibility to, 2. Last evaluated: 2016-09-08. Review status: reviewed by expert panel. Criteria: ENIGMA BRCA1/2 Classification Criteria (2015). Collection method: curation. Allele origin: germline.
Comment: Variant allele predicted to encode a truncated non-functional protein.

GeneDx
Classification: Pathogenic. Last evaluated: 2025-11-06. Review status: criteria provided, single submitter. Criteria: GeneDx Variant Classification Process June 2021. Collection method: clinical testing. Allele origin: germline. Affected: yes. Not counted in ClinVar's aggregate classification.
Comment: Observed in individuals with a personal or family history consistent with pathogenic variants in this gene (PMID: 22006311, 25948282); Truncating variants in this gene are considered pathogenic by a well-established clinical consortium and/or database; Nonsense variant predicted to result in protein truncation or nonsense mediated decay in a gene for which loss of function is a known mechanism of disease; Not observed at significant frequency in large population cohorts (gnomAD); Also known as 4471G>T; This variant is associated with the following publications: (PMID: 34413315, 22006311, 25948282, 28678401, 29446198, 30322717, AlHinai2021[CaseReport], 31853058, 32377563, 39594734, 33471991)

Molecular Diagnostics Laboratory, Catalan Institute of Oncology
Classification: Pathogenic for Hereditary cancer-predisposing syndrome. Last evaluated: 2025-06-25. Review status: criteria provided, single submitter. Criteria: ClinGen BRCA1BRCA2 ACMG Specifications BRCA2 V1.0.0. Collection method: clinical testing. Allele origin: germline. Not counted in ClinVar's aggregate classification.
Comment: PVS1, PM2_Supporting, PM5_PTC_Strong c.4243G>T, located in exon 11 of the BRCA2 gene, is a nonsense variant expected to result in loss of function by premature protein truncation and nonsense-mediated mRNA decay (PVS1, PM5_PTC_Strong). It is not present in the population database gnomAD v2.1.1, non cancer dataset (PM2_Supporting). No effect is predicted on splicing by SpliceAI. To our knowledge, neither relevant clinical data nor well-stablished functional studies have been reported for this variant. It has been reported as a pathogenic variant in ClinVar, BRCA Exchange and LOVD databases. Based on the currently available information, c.4243G>T is classified as a pathogenic variant according to ClinGen-BRCA2 Guidelines version 1.0.

Labcorp Genetics (formerly Invitae), Labcorp
Classification: Pathogenic for Hereditary breast ovarian cancer syndrome. Last evaluated: 2025-06-11. Review status: criteria provided, single submitter. Criteria: Invitae Variant Classification Sherloc (09022015). Collection method: clinical testing. Allele origin: germline. Not counted in ClinVar's aggregate classification.
Comment: This sequence change creates a premature translational stop signal (p.Glu1415*) in the BRCA2 gene. It is expected to result in an absent or disrupted protein product. Loss-of-function variants in BRCA2 are known to be pathogenic (PMID: 20104584). This variant is not present in population databases (gnomAD no frequency). This premature translational stop signal has been observed in individual(s) with fallopian tube carcinoma or head and neck squamous cell carcinoma (PMID: 22006311, 28678401). This variant is also known as c.4471G>T (p.Glu1416X). ClinVar contains an entry for this variant (Variation ID: 37890). For these reasons, this variant has been classified as Pathogenic.

Color Diagnostics, LLC DBA Color Health
Classification: Pathogenic for Hereditary cancer-predisposing syndrome. Last evaluated: 2025-06-09. Review status: criteria provided, single submitter. Criteria: ACMG Guidelines, 2015. Collection method: clinical testing. Allele origin: germline. Not counted in ClinVar's aggregate classification.
Comment: This variant changes 1 nucleotide in exon 11 of the BRCA2 gene, creating a premature translation stop signal. This variant is expected to result in an absent or non-functional protein product. This variant has been observed in multiple individuals affected with breast, ovarian and fallopian tube cancer (PMID: 22006311, 30322717, 33471991Leiden Open Variation Database DB-ID BRCA2_002639Color internal data). This variant has not been identified in the general population by the Genome Aggregation Database (gnomAD). Loss of BRCA2 function is a known mechanism of disease. Based on the available evidence, this variant is classified as Pathogenic.

Baylor Genetics
Classification: Pathogenic for Familial cancer of breast. Last evaluated: 2024-01-30. Review status: criteria provided, single submitter. Criteria: ACMG Guidelines, 2015. Collection method: clinical testing. Allele origin: unknown. Not counted in ClinVar's aggregate classification.

Ambry Genetics
Classification: Pathogenic for Hereditary cancer-predisposing syndrome. Last evaluated: 2023-09-28. Review status: criteria provided, single submitter. Criteria: Ambry Variant Classification Scheme 2023. Collection method: clinical testing. Allele origin: germline. Not counted in ClinVar's aggregate classification.
Comment: The p.E1415* pathogenic mutation (also known as c.4243G>T), located in coding exon 10 of the BRCA2 gene, results from a G to T substitution at nucleotide position 4243. This changes the amino acid from a glutamic acid to a stop codon within coding exon 10. This alteration has been previously reported in individuals diagnosed with ovarian cancer (Walsh T et al. Proc. Natl. Acad. Sci. U.S.A. 2011 Nov;108:18032-7; Carter NJ et al. Gynecol. Oncol., 2018 12;151:481-488) and in an individual diagnosed with a head and neck squamous cell cancer (Chandrasekharappa SC et al. Cancer, 2017 Oct;123:3943-3954). This alteration was also identified in a large, worldwide study of BRCA1/2 mutation positive families (Rebbeck TR et al. Hum. Mutat., 2018 05;39:593-620). Of note, this alteration is also designated as "4471G>T" in published literature. In addition to the clinical data presented in the literature, this alteration is expected to result in loss of function by premature protein truncation or nonsense-mediated mRNA decay. As such, this alteration is interpreted as a disease-causing mutation.

All of Us Research Program, National Institutes of Health
Classification: Pathogenic for Breast-ovarian cancer, familial, susceptibility to, 2. Last evaluated: 2023-07-19. Review status: criteria provided, single submitter. Criteria: ACMG Guidelines, 2015. Collection method: clinical testing. Allele origin: germline. Inheritance: Autosomal dominant inheritance. Observed: 1 variant allele, 1 heterozygote. Not counted in ClinVar's aggregate classification.
Comment: This variant changes 1 nucleotide in exon 11 of the BRCA2 gene, creating a premature translation stop signal. This variant is expected to result in an absent or non-functional protein product. To our knowledge, functional studies have not been reported for this variant. This variant has been observed in 5 individuals affected with breast, ovarian and fallopian tube cancer (PMID: 22006311, 30322717, 33471991; Leiden Open Variation Database DB-ID BRCA2_002639; Color internal data). This variant has not been identified in the general population by the Genome Aggregation Database (gnomAD). Loss of BRCA2 function is a known mechanism of disease. Based on the available evidence, this variant is classified as Pathogenic.

This study involves interpretation of variants in research participants for the purpose of population health screening. Participant phenotype was not available at the time of variant classification. Additional details can be found in publication PMID: 35346344, PMCID: PMC8962531

NM_000059.4(BRCA2):c.4243G>T (p.Glu1415Ter)

Gene: BRCA2 (BRCA2 DNA repair associated; plus strand). Cytogenetic location: 13q13.1.
Variant type: single nucleotide variant.
Coding change: c.4243G>T on transcript NM_000059.4 (MANE Select); coding-DNA position 4243, G replaced by T.
Protein change: p.Glu1415Ter; replaces glutamic acid 1415 with a stop codon.
Molecular consequence: nonsense.
Genome position (GRCh38, 1-based): chr13:32,338,598, G>T. VCF-style: chr13-32338598-G-T. GRCh37 (hg19) VCF-style: chr13-32912735-G-T.
Other names: 4471G>T; short protein forms E1415*.
Identifiers: ClinVar variation 37890 (VCV000037890.37), dbSNP rs397507327, ClinGen allele CA019770.